The following is an entry in ClinVar:

NM_018972.4(GDAP1):c.419G>T (p.Cys140Phe)

Gene: GDAP1 (ganglioside induced differentiation associated protein 1; plus strand). Cytogenetic location: 8q21.11.
Variant type: single nucleotide variant.
Coding change: c.419G>T on transcript NM_018972.4 (MANE Select); coding-DNA position 419, G replaced by T.
Protein change: p.Cys140Phe; replaces cysteine 140 with phenylalanine.
Molecular consequence: missense variant. On other transcripts: intron variant (1).
Genome position (GRCh38, 1-based): chr8:74,360,245, G>T. VCF-style: chr8-74360245-G-T. GRCh37 (hg19) VCF-style: chr8-75272480-G-T.
Other names: c.92G>T, p.Cys31Phe (NM_001362932.2, NM_001362929.2); c.311-1639G>T (NM_001362930.2); c.215G>T, p.Cys72Phe (NM_001040875.4); c.419G>T, p.Cys140Phe (NM_001362931.2); short protein forms C140F, C31F, C72F.
Identifiers: ClinVar variation 583357 (VCV000583357.8), dbSNP rs1375032292, ClinGen allele CA371548760.
Genomic context (GRCh38, chr8:74,360,245, plus strand): 5'-GGGTACAACATTACCGAGAGCTGCTTGACTCCTTGCCAATGGATGCCTATACACATGGCT[G>T]CATTTTACATCCTGAGTTAACTGTGGACTCCATGATCCCGGCTTATGCAACTACAAGGAT-3'
Protein context (NP_061845.2, residues 130-150): SLPMDAYTHG[Cys140Phe]ILHPELTVDS

ClinVar aggregate classification (germline): Uncertain significance (1 of 4 stars; one submission).

Conditions:
Charcot-Marie-Tooth disease type 4A. Also called: Charcot-Marie-Tooth disease, demyelinating, autosomal recessive, type 4a. Identifiers: Orphanet 99948, MedGen C1859198, MONDO:0008961, OMIM 214400.

Allele frequency attached by ClinVar (database versions not stated): gnomAD 0.00001; gnomAD exomes 0.00001; TOPMed 0.00001.
gnomAD v4.1: 4 of 1,613,402 alleles (0.00025%); highest among the groups gnomAD compares: Non-Finnish European, 0.00034%; no homozygotes.

Submission:

Labcorp Genetics (formerly Invitae), Labcorp
Classification: Uncertain significance for Charcot-Marie-Tooth disease type 4A. Last evaluated: 2025-09-21. Review status: criteria provided, single submitter. Criteria: Invitae Variant Classification Sherloc (09022015). Collection method: clinical testing. Allele origin: germline.
Comment: This sequence change replaces cysteine, which is neutral and slightly polar, with phenylalanine, which is neutral and non-polar, at codon 140 of the GDAP1 protein (p.Cys140Phe). This variant is not present in population databases (gnomAD no frequency). This variant has not been reported in the literature in individuals affected with GDAP1-related conditions. ClinVar contains an entry for this variant (Variation ID: 583357). Invitae Evidence Modeling of protein sequence and biophysical properties (such as structural, functional, and spatial information, amino acid conservation, physicochemical variation, residue mobility, and thermodynamic stability) indicates that this missense variant is not expected to disrupt GDAP1 protein function with a negative predictive value of 80%. In summary, the available evidence is currently insufficient to determine the role of this variant in disease. Therefore, it has been classified as a Variant of Uncertain Significance.